The following is an entry in ClinVar:

ClinVar aggregate classification (germline): Likely benign (1 of 4 stars; one submission).

Conditions:
EYS-related disorder. Also called: EYS-related condition.

gnomAD v4.1: 8 of 1,588,816 alleles (0.0005%); highest among the groups gnomAD compares: South Asian, 0.0066%; no homozygotes.

Submission:

PreventionGenetics, part of Exact Sciences
Classification: Likely benign for EYS-related condition. Last evaluated: 2024-12-03. Review status: criteria provided, single submitter. Criteria: ACMG Guidelines, 2015. Collection method: clinical testing. Allele origin: germline.
Comment: This variant is classified as likely benign based on ACMG/AMP sequence variant interpretation guidelines (Richards et al. 2015 PMID: 25741868, with internal and published modifications).

NM_001142800.2(EYS):c.1766+27A>G

Gene: EYS (EGF-like photoreceptor maintenance factor; minus strand). Cytogenetic location: 6q12.
Variant type: single nucleotide variant.
Coding change: c.1766+27A>G on transcript NM_001142800.2 (MANE Select); 27 bases into the intron after coding-DNA position 1766, A replaced by G.
Molecular consequence: intron variant. On other transcripts: 3 prime UTR variant (1).
Genome position (GRCh38, 1-based): chr6:65,334,953, T>C on the plus strand (A>G on the coding strand, the complement: EYS is on the minus strand). VCF-style: chr6-65334953-T-C. GRCh37 (hg19) VCF-style: chr6-66044846-T-C.
Other names: c.*8A>G (NM_198283.2); c.1766+27A>G (NM_001292009.2, NM_001142801.2).
Identifiers: ClinVar variation 4987843 (VCV004987843.1).